The following is an entry in ClinVar:

NM_024577.4(SH3TC2):c.*6820T>C

Gene: SH3TC2 (SH3 domain and tetratricopeptide repeats 2; minus strand). Cytogenetic location: 5q32.
Variant type: single nucleotide variant.
Coding change: c.*6820T>C on transcript NM_024577.4 (MANE Select); 6820 bases downstream of the stop codon, T replaced by C.
Molecular consequence: 3 prime UTR variant.
Genome position (GRCh38, 1-based): chr5:148,997,891, A>G on the plus strand (T>C on the coding strand, the complement: SH3TC2 is on the minus strand). VCF-style: chr5-148997891-A-G. GRCh37 (hg19) VCF-style: chr5-148377454-A-G.
Identifiers: ClinVar variation 351781 (VCV000351781.5), dbSNP rs60176324, ClinGen allele CA10619516.

ClinVar aggregate classification (germline): Likely benign. Review status: criteria provided, single submitter (1 of 4 stars). 2 submissions from 1 submitter: Likely benign (2). Last evaluated 2018-01-13.

Conditions:
Susceptibility to mononeuropathy of the median nerve, mild. Also called: CARPAL TUNNEL SYNDROME, SUSCEPTIBILITY TO. Identifiers: MedGen C3150596, MONDO:0013237, OMIM 613353.
Charcot-Marie-Tooth disease type 4C (CMT4C). Also called: CHARCOT-MARIE-TOOTH DISEASE, DEMYELINATING, AUTOSOMAL RECESSIVE, TYPE 4C; CMT 4C; Charcot-Marie-Tooth Neuropathy Type 4C (CMT4C); CHARCOT-MARIE-TOOTH DISEASE, DEMYELINATING, TYPE 4C; SH3TC2-Related Hereditary Motor and Sensory Neuropathy. Identifiers: Orphanet 99949, MedGen C1866636, MONDO:0011113, OMIM 601596.

Allele frequency attached by ClinVar (database versions not stated): gnomAD 0.00041 and 0.00060; TOPMed 0.00080; 1000 Genomes Project 30x 0.00234; 1000 Genomes Project 0.00240.
gnomAD v4.1: 89 of 152,358 alleles (0.058%); highest among the groups gnomAD compares: East Asian, 1.6%; 1 homozygote.

Submissions (2):

Illumina Laboratory Services, Illumina
Classification: Likely benign for Charcot-Marie-Tooth disease type 4C. Last evaluated: 2018-01-13. Review status: criteria provided, single submitter. Criteria: ICSL Variant Classification Criteria 13 December 2019. Collection method: clinical testing. Allele origin: germline.
Comment: This variant was observed in the ICSL laboratory as part of a predisposition screen in an ostensibly healthy population. It had not been previously curated by ICSL or reported in the Human Gene Mutation Database (HGMD: prior to June 1st, 2018), and was therefore a candidate for classification through an automated scoring system. Utilizing variant allele frequency, disease prevalence and penetrance estimates, and inheritance mode, an automated score was calculated to assess if this variant is too frequent to cause the disease. Based on the score and internal cut-off values, a variant classified as likely benign is not then subjected to further curation. The score for this variant resulted in a classification of likely benign for this disease.

Illumina Laboratory Services, Illumina
Classification: Likely benign for Susceptibility to mononeuropathy of the median nerve, mild. Last evaluated: 2018-01-13. Review status: criteria provided, single submitter. Criteria: ICSL Variant Classification Criteria 13 December 2019. Collection method: clinical testing. Allele origin: germline.
Comment: the same text as in the submission from Illumina Laboratory Services, Illumina above.